The following is an entry in ClinVar:

ClinVar aggregate classification (germline): Uncertain significance (1 of 4 stars; one submission).

Conditions:
Rhabdoid tumor predisposition syndrome 2 (RTPS2). Identifiers: Orphanet 231108, Orphanet 69077, MedGen C2750074, MONDO:0013224, OMIM 613325.

Submission:

Labcorp Genetics (formerly Invitae), Labcorp
Classification: Uncertain significance for Rhabdoid tumor predisposition syndrome 2. Last evaluated: 2023-05-27. Review status: criteria provided, single submitter. Criteria: Invitae Variant Classification Sherloc (09022015). Collection method: clinical testing. Allele origin: germline.
Comment: In summary, the available evidence is currently insufficient to determine the role of this variant in disease. Therefore, it has been classified as a Variant of Uncertain Significance. This sequence change replaces lysine, which is basic and polar, with asparagine, which is neutral and polar, at codon 687 of the SMARCA4 protein (p.Lys687Asn). This variant is not present in population databases (gnomAD no frequency). This variant has not been reported in the literature in individuals affected with SMARCA4-related conditions. Advanced modeling of protein sequence and biophysical properties (such as structural, functional, and spatial information, amino acid conservation, physicochemical variation, residue mobility, and thermodynamic stability) performed at Invitae indicates that this missense variant is not expected to disrupt SMARCA4 protein function.

NM_003072.5(SMARCA4):c.2061G>T (p.Lys687Asn)

Gene: SMARCA4 (SWI/SNF related BAF chromatin remodeling complex subunit ATPase 4; plus strand). Cytogenetic location: 19p13.2.
Variant type: single nucleotide variant.
Coding change: c.2061G>T on transcript NM_003072.5 (MANE Select); coding-DNA position 2061, G replaced by T.
Protein change: p.Lys687Asn; replaces lysine 687 with asparagine.
Molecular consequence: missense variant. On other transcripts: non-coding transcript variant (1).
Genome position (GRCh38, 1-based): chr19:11,007,961, G>T. VCF-style: chr19-11007961-G-T. GRCh37 (hg19) VCF-style: chr19-11118637-G-T.
Other names: c.2061G>T, p.Lys687Asn (NM_001128844.3, NM_001128845.2, NM_001128846.2 and 6 more transcripts); short protein forms K687N.
Identifiers: ClinVar variation 2734141 (VCV002734141.3), dbSNP rs2146191992, ClinGen allele CA404052488.